The following is an entry in ClinVar:

ClinVar aggregate classification (germline): Likely benign. Review status: criteria provided, multiple submitters, no conflicts (2 of 4 stars). 2 submissions from 2 submitters: Likely benign (2). Last evaluated 2025-02-05.

Conditions:
POLD1-related polyposis and colorectal cancer syndrome (CRCS10). Also called: Colorectal cancer 10; Colorectal cancer, susceptibility to, 10; COLORECTAL CANCER, SUSCEPTIBILITY TO, ON CHROMOSOME 19q. Identifiers: Orphanet 220460, MedGen C2675481, MONDO:0012953, OMIM 612591.

gnomAD v4.1: 1 of 1,606,242 alleles (0.000062%); highest among the groups gnomAD compares: Non-Finnish European, 0.000085%; no homozygotes.

Submissions (2):

Myriad Genetics, Inc.
Classification: Likely benign for POLD1-related polyposis and colorectal cancer syndrome. Last evaluated: 2025-02-05. Review status: criteria provided, single submitter. Criteria: Myriad Autosomal Dominant, Autosomal Recessive and X-Linked Classification Criteria (2023). Collection method: clinical testing. Allele origin: unknown.
Comment: This variant is considered likely benign. This variant is intronic and is not expected to impact mRNA splicing.

Labcorp Genetics (formerly Invitae), Labcorp
Classification: Likely benign for POLD1-related polyposis and colorectal cancer syndrome. Last evaluated: 2023-09-22. Review status: criteria provided, single submitter. Criteria: Invitae Variant Classification Sherloc (09022015). Collection method: clinical testing. Allele origin: germline.

NM_002691.4(POLD1):c.1138-7C>T

Gene: POLD1 (DNA polymerase delta 1, catalytic subunit; plus strand). Cytogenetic location: 19q13.33.
Variant type: single nucleotide variant.
Coding change: c.1138-7C>T on transcript NM_002691.4 (MANE Select); 7 bases into the intron before coding-DNA position 1138, C replaced by T.
Molecular consequence: intron variant.
Genome position (GRCh38, 1-based): chr19:50,403,486, C>T. VCF-style: chr19-50403486-C-T. GRCh37 (hg19) VCF-style: chr19-50906743-C-T.
Other names: c.1138-7C>T (NM_001256849.1, NM_001308632.1).
Identifiers: ClinVar variation 2715901 (VCV002715901.4), dbSNP rs2038744765, ClinGen allele CA2586569425.